The following is an entry in ClinVar:

ClinVar aggregate classification (germline): Uncertain significance (1 of 4 stars; one submission).

Conditions:
KMT2D-related disorder. Also called: KMT2D-Related Disorders.

gnomAD v4.1: 2 of 1,602,844 alleles (0.00012%); highest among the groups gnomAD compares: African/African-American, 0.0013%; no homozygotes.

Submission:

PreventionGenetics, part of Exact Sciences
Classification: Uncertain significance for KMT2D-related condition. Last evaluated: 2026-09-18. Review status: criteria provided, single submitter. Criteria: ACMG Guidelines, 2015. Collection method: clinical testing. Allele origin: germline.
Comment: The KMT2D c.772A>G variant is predicted to result in the amino acid substitution p.Thr258Ala. To our knowledge, this variant has not been reported in the literature or in a large population database (gnomAD), indicating this variant is rare. At this time, the clinical significance of this variant is uncertain due to the absence of conclusive functional and genetic evidence.

NM_003482.4(KMT2D):c.772A>G (p.Thr258Ala)

Gene: KMT2D (lysine methyltransferase 2D; minus strand). Cytogenetic location: 12q13.12.
Variant type: single nucleotide variant.
Coding change: c.772A>G on transcript NM_003482.4 (MANE Select); coding-DNA position 772, A replaced by G.
Protein change: p.Thr258Ala; replaces threonine 258 with alanine.
Molecular consequence: missense variant.
Genome position (GRCh38, 1-based): chr12:49,053,543, T>C on the plus strand (A>G on the coding strand, the complement: KMT2D is on the minus strand). VCF-style: chr12-49053543-T-C. GRCh37 (hg19) VCF-style: chr12-49447326-T-C.
Other names: short protein forms T258A.
Identifiers: ClinVar variation 4993006 (VCV004993006.1).